The following is an entry in ClinVar:

ClinVar aggregate classification (germline): Pathogenic (1 of 4 stars; one submission).

Conditions:
Hereditary cancer-predisposing syndrome. Also called: Neoplastic Syndromes, Hereditary; Tumor predisposition; Hereditary Cancer Syndrome; Hereditary neoplastic syndrome. Identifiers: Orphanet 140162, MedGen C0027672, MeSH D009386, MONDO:0015356.

Submission:

Ambry Genetics
Classification: Pathogenic for Hereditary cancer-predisposing syndrome. Last evaluated: 2016-02-23. Review status: criteria provided, single submitter. Criteria: Ambry Autosomal Dominant and X-Linked criteria (10/2015). Collection method: clinical testing. Allele origin: germline. Observed: 1 variant allele.
Comment: The c.7110_7111delCT pathogenic mutation, located in coding exon 48 of the NF1 gene, results from a deletion of two nucleotides between positions 7110 and 7111, causing a translational frameshift with a predicted alternate stop codon. Since frameshifts are typically deleterious in nature, this alteration is interpreted as a disease-causing mutation (ACMG Recommendations for Standards for Interpretation and Reporting of Sequence Variations. Revision 2007. Genet Med. 2008;10:294).

NM_001042492.3(NF1):c.7110_7111del (p.His2370fs)

Gene: NF1 (neurofibromin 1; plus strand). Cytogenetic location: 17q11.2.
Variant type: Deletion.
Coding change: c.7110_7111del on transcript NM_001042492.3 (MANE Select); coding-DNA positions 7110 to 7111, 2 bases deleted (CT; older notation c.7110_7111delCT).
Protein change: p.His2370fs; shifts the reading frame from histidine 2370.
Molecular consequence: frameshift variant.
Genome position (GRCh38, 1-based): chr17:31,343,056-31,343,057, CT deleted. VCF-style (leftmost placement, unchanged base first): chr17-31343055-ACT-A. GRCh37 (hg19) VCF-style: chr17-29670073-ACT-A.
Other names: c.7047_7048delCT, p.His2349Glnfs (NM_000267.4); short protein forms H2349fs, H2370fs.
Identifiers: ClinVar variation 481903 (VCV000481903.3), dbSNP rs1555535416, ClinGen allele CA658658598.